The following is an entry in ClinVar:

ClinVar aggregate classification (germline): Uncertain significance (1 of 4 stars; one submission).

gnomAD v4.1: 10 of 1,613,728 alleles (0.00062%); highest among the groups gnomAD compares: South Asian, 0.0022%; no homozygotes.

Submission:

CeGaT Center for Human Genetics Tuebingen
Classification: Uncertain significance. Last evaluated: 2025-10-01. Review status: criteria provided, single submitter. Criteria: CeGaT Center For Human Genetics Tuebingen Variant Classification Criteria Version 2. Collection method: clinical testing. Allele origin: germline. Affected: yes. Observed: 1 variant allele.
Comment: ANK3: PM2, PP2, PP3

NM_020987.5(ANK3):c.2729G>A (p.Arg910His)

Gene: ANK3 (ankyrin 3; minus strand). Cytogenetic location: 10q21.2.
Variant type: single nucleotide variant.
Coding change: c.2729G>A on transcript NM_020987.5 (MANE Select); coding-DNA position 2729, G replaced by A.
Protein change: p.Arg910His; replaces arginine 910 with histidine.
Molecular consequence: missense variant.
Genome position (GRCh38, 1-based): chr10:60,138,973, C>T on the plus strand (G>A on the coding strand, the complement: ANK3 is on the minus strand). VCF-style: chr10-60138973-C-T. GRCh37 (hg19) VCF-style: chr10-61898731-C-T.
Other names: c.131G>A, p.Arg44His (NM_001149.4); c.2711G>A, p.Arg904His (NM_001204403.2); c.2732G>A, p.Arg911His (NM_001204404.2); c.2729G>A, p.Arg910His (NM_001320874.2); short protein forms R44H, R904H, R910H, R911H.
Identifiers: ClinVar variation 4533898 (VCV004533898.6).
Genomic context (GRCh38, chr10:60,138,973, plus strand): 5'-CAAATCATGGTTGTTTTAAATTAACTATGAAAGACAGCAACAACGAAGTACCTGGCAGAA[C>T]GCGCTCCGAGACTAAAGCCCATGTAACCCTCTGCAGGCAGGGAATCATCACCCAATTCCT-3'
Protein context (NP_066267.2, residues 900-920): EGYMGFSLGA[Arg910His]SASLRSFSSD